The following is an entry in ClinVar:

NM_020971.3(SPTBN4):c.6575T>C (p.Ile2192Thr)

Gene: SPTBN4 (spectrin beta, non-erythrocytic 4; plus strand). Cytogenetic location: 19q13.2.
Variant type: single nucleotide variant.
Coding change: c.6575T>C on transcript NM_020971.3 (MANE Select); coding-DNA position 6575, T replaced by C.
Protein change: p.Ile2192Thr; replaces isoleucine 2192 with threonine.
Molecular consequence: missense variant.
Genome position (GRCh38, 1-based): chr19:40,567,901, T>C. VCF-style: chr19-40567901-T-C. GRCh37 (hg19) VCF-style: chr19-41073807-T-C.
Other names: short protein forms I2192T.
Identifiers: ClinVar variation 2502522 (VCV002502522.3), dbSNP rs1287896128, ClinGen allele CA405915222.

ClinVar aggregate classification (germline): Conflicting classifications of pathogenicity. Review status: criteria provided, conflicting classifications (1 of 4 stars). 2 submissions from 2 submitters: Uncertain significance (1); Likely benign (1). Last evaluated 2026-04-06.

Conditions:
Inborn genetic diseases. Identifiers: MedGen C0950123, MeSH D030342.

Allele frequency attached by ClinVar (database versions not stated): gnomAD 0.00001; gnomAD exomes 0.00001; TOPMed 0.00002.
gnomAD v4.1: 13 of 1,523,270 alleles (0.00085%); highest among the groups gnomAD compares: African/African-American, 0.0029%; no homozygotes.

Submissions (2):

Ambry Genetics
Classification: Uncertain significance for Inborn genetic diseases. Last evaluated: 2026-04-06. Review status: criteria provided, single submitter. Criteria: Ambry Variant Classification Scheme 2023. Collection method: clinical testing. Allele origin: germline.

GeneDx
Classification: Likely benign. Last evaluated: 2023-10-30. Review status: criteria provided, single submitter. Criteria: GeneDx Variant Classification Process June 2021. Collection method: clinical testing. Allele origin: germline.
Comment: See Variant Classification Assertion Criteria.